The following is an entry in ClinVar:

ClinVar aggregate classification (germline): Uncertain significance (1 of 4 stars; one submission).

Conditions:
Hereditary cancer-predisposing syndrome. Also called: Neoplastic Syndromes, Hereditary; Tumor predisposition; Hereditary neoplastic syndrome; Hereditary Cancer Syndrome. Identifiers: Orphanet 140162, MedGen C0027672, MeSH D009386, MONDO:0015356.

Submission:

Ambry Genetics
Classification: Uncertain significance for Hereditary cancer-predisposing syndrome. Last evaluated: 2024-04-26. Review status: criteria provided, single submitter. Criteria: Ambry Variant Classification Scheme 2023. Collection method: clinical testing. Allele origin: germline.
Comment: The p.R1098P variant (also known as c.3293G>C), located in coding exon 21 of the RAD50 gene, results from a G to C substitution at nucleotide position 3293. The arginine at codon 1098 is replaced by proline, an amino acid with dissimilar properties. This amino acid position is conserved. In addition, this alteration is predicted to be tolerated by in silico analysis. Based on the available evidence, the clinical significance of this variant remains unclear.

NM_005732.4(RAD50):c.3293G>C (p.Arg1098Pro)

Gene: RAD50 (RAD50 double strand break repair protein; plus strand). Cytogenetic location: 5q31.1.
Variant type: single nucleotide variant.
Coding change: c.3293G>C on transcript NM_005732.4 (MANE Select); coding-DNA position 3293, G replaced by C.
Protein change: p.Arg1098Pro; replaces arginine 1098 with proline.
Molecular consequence: missense variant.
Genome position (GRCh38, 1-based): chr5:132,618,198, G>C. VCF-style: chr5-132618198-G-C. GRCh37 (hg19) VCF-style: chr5-131953890-G-C.
Other names: short protein forms R1098P.
Identifiers: ClinVar variation 3312317 (VCV003312317.1).